The following is an entry in ClinVar:

NM_001370298.3(FGD4):c.1012-154T>G

Gene: FGD4 (FYVE, RhoGEF and PH domain containing 4; plus strand). Cytogenetic location: 12p11.21.
Variant type: single nucleotide variant.
Coding change: c.1012-154T>G on transcript NM_001370298.3 (MANE Select); 154 bases into the intron before coding-DNA position 1012, T replaced by G.
Molecular consequence: intron variant.
Genome position (GRCh38, 1-based): chr12:32,598,343, T>G. VCF-style: chr12-32598343-T-G. GRCh37 (hg19) VCF-style: chr12-32751277-T-G.
Other names: c.1012-154T>G (NM_001384126.1); c.856-154T>G (NM_001304481.2); c.322-154T>G (NM_001330374.2, NM_001330373.2, NM_001384130.1); c.601-154T>G (NM_139241.3, NM_001384127.1, NM_001385118.1 and 1 more transcripts); c.-551-154T>G (NM_001304484.2); c.49-154T>G (NM_001370297.1); c.-244-154T>G (NM_001304483.2).
Identifiers: ClinVar variation 679393 (VCV000679393.1), dbSNP rs12299653, ClinGen allele CA235203915.

ClinVar aggregate classification (germline): Likely benign (1 of 4 stars; one submission).

Allele frequency attached by ClinVar (database versions not stated): gnomAD 0.00932 and 0.00997; 1000 Genomes Project 30x 0.00953; 1000 Genomes Project 0.00958; TOPMed 0.01082.
gnomAD v4.1: 1,401 of 152,346 alleles (0.92%); highest among the groups gnomAD compares: African/African-American, 3%; 19 homozygotes.

Submission:

GeneDx
Classification: Likely benign. Last evaluated: 2018-06-16. Review status: criteria provided, single submitter. Criteria: GeneDx Variant Classification (06012015). Collection method: clinical testing. Allele origin: germline. Affected: yes.
Comment: This variant is considered likely benign or benign based on one or more of the following criteria: it is a conservative change, it occurs at a poorly conserved position in the protein, it is predicted to be benign by multiple in silico algorithms, and/or has population frequency not consistent with disease.